The following is an entry in ClinVar:

NM_016107.5(ZFR):c.3095T>C (p.Met1032Thr)

Gene: ZFR (zinc finger RNA binding protein; minus strand). Cytogenetic location: 5p13.3.
Variant type: single nucleotide variant.
Coding change: c.3095T>C on transcript NM_016107.5 (MANE Select); coding-DNA position 3095, T replaced by C.
Protein change: p.Met1032Thr; replaces methionine 1032 with threonine.
Molecular consequence: missense variant. On other transcripts: non-coding transcript variant (1).
Genome position (GRCh38, 1-based): chr5:32,355,890, A>G on the plus strand (T>C on the coding strand, the complement: ZFR is on the minus strand). VCF-style: chr5-32355890-A-G. GRCh37 (hg19) VCF-style: chr5-32355996-A-G.
Other names: short protein forms M1032T.
Identifiers: ClinVar variation 2109039 (VCV002109039.4), dbSNP rs774931353, ClinGen allele CA3221435.

ClinVar aggregate classification (germline): Uncertain significance (1 of 4 stars; one submission).

Conditions:
Pure or complex autosomal recessive spastic paraplegia. Identifiers: Orphanet 320346, MedGen C5679887, MONDO:0017915.

Allele frequency attached by ClinVar (database versions not stated): ExAC 0.00001; gnomAD exomes 0.00001.

Submission:

Labcorp Genetics (formerly Invitae), Labcorp
Classification: Uncertain significance for Pure or complex autosomal recessive spastic paraplegia. Last evaluated: 2023-08-04. Review status: criteria provided, single submitter. Criteria: Invitae Variant Classification Sherloc (09022015). Collection method: clinical testing. Allele origin: germline.
Comment: ClinVar contains an entry for this variant (Variation ID: 2109039). This variant has not been reported in the literature in individuals affected with ZFR-related conditions. This variant is present in population databases (rs774931353, gnomAD 0.01%). This sequence change replaces methionine, which is neutral and non-polar, with threonine, which is neutral and polar, at codon 1032 of the ZFR protein (p.Met1032Thr). Experimental studies and prediction algorithms are not available or were not evaluated, and the functional significance of this variant is currently unknown. In summary, the available evidence is currently insufficient to determine the role of this variant in disease. Therefore, it has been classified as a Variant of Uncertain Significance.